The following is an entry in ClinVar:

NC_000011.9:g.(?_31305244)_(31349768_?)del

Gene: DCDC1 (doublecortin domain containing 1; minus strand). Cytogenetic location: 11p13.
Variant type: Deletion.
Identifiers: ClinVar variation 3244793 (VCV003244793.1).

ClinVar aggregate classification (germline): Uncertain significance (1 of 4 stars; one submission).

Submission:

Labcorp Genetics (formerly Invitae), Labcorp
Classification: Uncertain significance. Last evaluated: 2024-01-15. Review status: criteria provided, single submitter. Criteria: Invitae Variant Classification Sherloc (09022015). Collection method: clinical testing. Allele origin: unknown.
Comment: This variant results in the deletion of exons 4-7 and part of exon 3 (c.60_960+6950delins27) of the DCDC1 gene. It is expected to disrupt RNA splicing. Variants that disrupt the donor or acceptor splice site typically lead to a loss of protein function (PMID: 16199547), however the current clinical and genetic evidence is not sufficient to establish whether loss-of-function variants in DCDC1 cause disease. This variant has not been reported in the literature in individuals affected with DCDC1-related conditions. Experimental studies and prediction algorithms are not available or were not evaluated, and the functional significance of this variant is currently unknown. In summary, the available evidence is currently insufficient to determine the role of this variant in disease. Therefore, it has been classified as a Variant of Uncertain Significance.

Literature cited by the submitters: PubMed 16199547.